The following is an entry in ClinVar:

ClinVar aggregate classification (germline): Uncertain significance (1 of 4 stars; one submission).

Submission:

Ambry Genetics
Classification: Uncertain significance. Last evaluated: 2026-06-16. Review status: criteria provided, single submitter. Criteria: Ambry Variant Classification Scheme 2023. Collection method: clinical testing. Allele origin: germline.
Comment: The c.4310delGinsACTCTT variant, located in coding exon 12 of the MLH3 gene, results from the deletion of one nucleotide and insertion of 6 nucleotides causing a translational frameshift with a predicted alternate stop codon (p.C1437Yfs*58). This alteration occurs at the 3' terminus of MLH3 gene, is not expected to trigger nonsense-mediated mRNAdecay and results in the elongation of the protein by 40 amino acids. This frameshift impacts the last 16amino acids of the native protein. The exact functional effect of the additional amino acids is unknown. Based on the available evidence, the clinical significance of this variant remains unclear.

NM_001040108.2(MLH3):c.4310delinsACTCTT (p.Cys1437fs)

Gene: MLH3 (mutL homolog 3; minus strand). Cytogenetic location: 14q24.3.
Variant type: Indel.
Coding change: c.4310delinsACTCTT on transcript NM_001040108.2 (MANE Select); coding-DNA position 4310, G replaced by ACTCTT.
Protein change: p.Cys1437fs; shifts the reading frame from cysteine 1437.
Molecular consequence: frameshift variant.
Genome position (GRCh38, 1-based): chr14:75,017,134, C replaced by AAGAGT on the plus strand (G replaced by ACTCTT on the coding strand, the reverse complement: MLH3 is on the minus strand). VCF-style: chr14-75017134-C-AAGAGT. GRCh37 (hg19) VCF-style: chr14-75483837-C-AAGAGT.
Other names: c.4238delinsACTCTT, p.Cys1413fs (NM_014381.3); short protein forms C1413fs, C1437fs.
Identifiers: ClinVar variation 2625658 (VCV002625658.3), dbSNP rs2503032385, ClinGen allele CA2582341763.